The following is an entry in ClinVar:

NM_000352.6(ABCC8):c.1069G>A (p.Val357Ile)

Gene: ABCC8 (ATP binding cassette subfamily C member 8; minus strand). Cytogenetic location: 11p15.1.
Variant type: single nucleotide variant.
Coding change: c.1069G>A on transcript NM_000352.6 (MANE Select); coding-DNA position 1069, G replaced by A.
Protein change: p.Val357Ile; replaces valine 357 with isoleucine.
Molecular consequence: missense variant. On other transcripts: non-coding transcript variant (1).
Genome position (GRCh38, 1-based): chr11:17,453,226, C>T on the plus strand (G>A on the coding strand, the complement: ABCC8 is on the minus strand). VCF-style: chr11-17453226-C-T. GRCh37 (hg19) VCF-style: chr11-17474773-C-T.
Other names: c.1069G>A, p.Val357Ile (NM_001287174.3, NM_001351295.2); c.1066G>A, p.Val356Ile (NM_001351296.2, NM_001351297.2); short protein forms V356I, V357I.
Identifiers: ClinVar variation 2627283 (VCV002627283.3), dbSNP rs771392416, ClinGen allele CA5903677.
Genomic context (GRCh38, chr11:17,453,226, plus strand): 5'-AGGATGCTTGCAGAAATGTCCTTTGCAGTAGGAGGGCAAGGAACAGAAGCACAGCTAAGA[C>T]GTAGGCATTGGCAAGGAACTCTTGGGATGAGACAAAGTAAACCCCGAGAAATTGTGTCTG-3'
Protein context (NP_000343.2, residues 347-367): SSQEFLANAY[Val357Ile]LAVLLFLALL

ClinVar aggregate classification (germline): Uncertain significance. Review status: criteria provided, multiple submitters, no conflicts (2 of 4 stars). 3 submissions from 3 submitters: Uncertain significance (2). 1 of the submissions does not count toward it. Last evaluated 2024-06-07.

Conditions:
Maturity-onset diabetes of the young (MODY). Also called: Maturity onset diabetes mellitus in young. Identifiers: Orphanet 552, MedGen C0342276, MONDO:0018911, HP:0004904.
Leucine-induced hypoglycemia (LIH). Also called: LEUCINE-SENSITIVE HYPOGLYCEMIA OF INFANCY. Identifiers: MedGen C0271714, MONDO:0009415, OMIM 240800.
Diabetes mellitus, permanent neonatal 3. Also called: ABCC8-Related Permanent Neonatal Diabetes Mellitus. Identifiers: MedGen C5394303, MONDO:0030088, OMIM 618857.
Diabetes mellitus, transient neonatal, 2 (TNDM2). Identifiers: Orphanet 99886, MedGen C1835887, MONDO:0012480, OMIM 610374. Disease mechanism: loss of function.
Type 2 diabetes mellitus. Also called: Type II diabetes mellitus. Identifiers: MedGen C0011860, MeSH D003924, MONDO:0005148, OMIM 125853, HP:0005978.
Hyperinsulinemic hypoglycemia, familial, 1 (HHF1). Also called: Persistent hyperinsulinemic hypoglycemia of infancy; HYPERINSULINISM, FAMILIAL, WITH PANCREATIC NESIDIOBLASTOSIS; HYPOGLYCEMIA, HYPERINSULINEMIC, OF INFANCY; NESIDIOBLASTOSIS OF PANCREAS; Persistent Hyperinsulinemia Hypoglycemia of Infancy. Identifiers: Orphanet 276575, Orphanet 276598, MedGen C2931832, MONDO:0009734, OMIM 256450.

Allele frequency attached by ClinVar (database versions not stated): ExAC 0.00002; gnomAD 0.00003; gnomAD exomes 0.00003; TOPMed 0.00005.

Submissions (3):

Fulgent Genetics
Classification: Uncertain significance for Type 2 diabetes mellitus; Leucine-induced hypoglycemia; Hyperinsulinemic hypoglycemia, familial, 1; Diabetes mellitus, transient neonatal, 2; Diabetes mellitus, permanent neonatal 3. Last evaluated: 2024-06-07. Review status: criteria provided, single submitter. Criteria: ACMG Guidelines, 2015. Collection method: clinical testing. Allele origin: germline.

Women's Health and Genetics/Laboratory Corporation of America, LabCorp
Classification: Uncertain significance. Last evaluated: 2023-09-20. Review status: criteria provided, single submitter. Criteria: LabCorp Variant Classification Summary - May 2015. Collection method: clinical testing. Allele origin: germline.
Comment: Variant summary: ABCC8 c.1069G>A (p.Val357Ile) results in a conservative amino acid change located in the ABC transporter type 1, transmembrane domain (IPR011527) of the encoded protein sequence. Four of five in-silico tools predict a benign effect of the variant on protein function. The variant allele was found at a frequency of 3.2e-05 in 251468 control chromosomes. The available data on variant occurrences in the general population are insufficient to allow any conclusion about variant significance. c.1069G>A has been reported in the literature in individuals affected with Hyperinsulinism (example, DeFranco_2020), Atrioventricular nodal reentry tachycardia (Luo_2020), and idiopathic pulmonary arterial hypertension (Gelinas_2020), without strong evidence for causality. These report(s) do not provide unequivocal conclusions about association of the variant with Familial Hyperinsulinism. To our knowledge, no experimental evidence demonstrating an impact on protein function has been reported. The following publications have been ascertained in the context of this evaluation (PMID: 32027066, 33187088, 32508047). No submitters have cited clinical-significance assessments for this variant to ClinVar after 2014. Based on the evidence outlined above, the variant was classified as uncertain significance.

Diabetes Institute, Department of Endocrinology and Metabolism, First Affiliated Hospital of Zhengzhou University
Classification: Pathogenic for Maturity-onset diabetes of the young type 1. Review status: no assertion criteria provided. Collection method: clinical testing. Allele origin: inherited. Affected: yes. Not counted in ClinVar's aggregate classification.

Literature cited by the submitters: PubMed 32027066 (cited by Women's Health and Genetics/Laboratory Corporation of America, LabCorp); PubMed 32508047 (cited by Women's Health and Genetics/Laboratory Corporation of America, LabCorp); PubMed 33187088 (cited by Women's Health and Genetics/Laboratory Corporation of America, LabCorp).